The following is an entry in ClinVar:

ClinVar aggregate classification (germline): Uncertain significance (1 of 4 stars; one submission).

Submission:

GeneDx
Classification: Uncertain significance. Last evaluated: 2025-08-12. Review status: criteria provided, single submitter. Criteria: GeneDx Variant Classification Process June 2021. Collection method: clinical testing. Allele origin: germline. Affected: yes.
Comment: Not observed at significant frequency in large population cohorts (gnomAD); In silico analysis suggests that this missense variant does not alter protein structure/function; Has not been previously published as pathogenic or benign to our knowledge

NM_001257291.2(SLC9A7):c.264C>G (p.Ile88Met)

Gene: SLC9A7 (solute carrier family 9 member A7; minus strand). Cytogenetic location: Xp11.3.
Variant type: single nucleotide variant.
Coding change: c.264C>G on transcript NM_001257291.2 (MANE Select); coding-DNA position 264, C replaced by G.
Protein change: p.Ile88Met; replaces isoleucine 88 with methionine.
Molecular consequence: missense variant.
Genome position (GRCh38, 1-based): chrX:46,758,766, G>C on the plus strand (C>G on the coding strand, the complement: SLC9A7 is on the minus strand). VCF-style: chrX-46758766-G-C. GRCh37 (hg19) VCF-style: chrX-46618201-G-C.
Other names: c.264C>G, p.Ile88Met (NM_032591.3); short protein forms I88M.
Identifiers: ClinVar variation 4795646 (VCV004795646.1).